The following is an entry in ClinVar:

ClinVar aggregate classification (germline): Conflicting classifications of pathogenicity. Review status: criteria provided, conflicting classifications (1 of 4 stars). 6 submissions from 6 submitters: Uncertain significance (4); Likely benign (1). 1 of the submissions does not count toward it. Last evaluated 2026-08-25.

Conditions:
Retinal dystrophy. Also called: Inherited retinal dystrophy. Identifiers: Orphanet 71862, MedGen C0854723, MeSH D058499, MONDO:0019118, HP:0000556.
Inborn genetic diseases. Identifiers: MedGen C0950123, MeSH D030342.
PDE6A-related disorder. Also called: PDE6A-related condition.
Retinitis pigmentosa (RP). Identifiers: Orphanet 791, MedGen C0035334, MeSH D012174, MONDO:0019200, OMIM 268000. Inheritance: Autosomal dominant, autosomal recessive and X linked inheritance.

Allele frequency attached by ClinVar (database versions not stated): ESP Exome Variant Server 0.00015; TOPMed 0.00019; gnomAD exomes 0.00021 and 0.00035; gnomAD 0.00023 and 0.00026; ExAC 0.00029.
gnomAD v4.1: 544 of 1,613,902 alleles (0.034%); highest among the groups gnomAD compares: Non-Finnish European, 0.044%; 1 homozygote.

Submissions (6):

PreventionGenetics, part of Exact Sciences
Classification: Uncertain significance for PDE6A-related condition. Last evaluated: 2026-08-25. Review status: criteria provided, single submitter. Criteria: ACMG Guidelines, 2015. Collection method: clinical testing. Allele origin: germline.
Comment: The PDE6A c.497T>C variant is predicted to result in the amino acid substitution p.Val166Ala. To our knowledge, this variant has not been reported in the literature. This variant is reported in 0.044% of alleles in individuals of European (Non-Finnish) descent in gnomAD. At this time, the clinical significance of this variant is uncertain due to the absence of conclusive functional and genetic evidence.

Labcorp Genetics (formerly Invitae), Labcorp
Classification: Uncertain significance. Last evaluated: 2024-09-06. Review status: criteria provided, single submitter. Criteria: Invitae Variant Classification Sherloc (09022015). Collection method: clinical testing. Allele origin: germline.
Comment: This sequence change replaces valine, which is neutral and non-polar, with alanine, which is neutral and non-polar, at codon 166 of the PDE6A protein (p.Val166Ala). This variant is present in population databases (rs199887926, gnomAD 0.05%). This variant has not been reported in the literature in individuals affected with PDE6A-related conditions. ClinVar contains an entry for this variant (Variation ID: 845477). Invitae Evidence Modeling of protein sequence and biophysical properties (such as structural, functional, and spatial information, amino acid conservation, physicochemical variation, residue mobility, and thermodynamic stability) has been performed for this missense variant. However, the output from this modeling did not meet the statistical confidence thresholds required to predict the impact of this variant on PDE6A protein function. In summary, the available evidence is currently insufficient to determine the role of this variant in disease. Therefore, it has been classified as a Variant of Uncertain Significance.

Blueprint Genetics
Classification: Likely benign. Last evaluated: 2023-11-06. Review status: criteria provided, single submitter. Criteria: ACMG Guidelines, 2015. Collection method: clinical testing. Allele origin: germline.

Ambry Genetics
Classification: Uncertain significance for Inborn genetic diseases. Last evaluated: 2021-06-22. Review status: criteria provided, single submitter. Criteria: Ambry Variant Classification Scheme 2023. Collection method: clinical testing. Allele origin: germline.

Illumina Laboratory Services, Illumina
Classification: Uncertain significance for Retinitis pigmentosa. Last evaluated: 2018-01-12. Review status: criteria provided, single submitter. Criteria: ICSL Variant Classification Criteria 13 December 2019. Collection method: clinical testing. Allele origin: germline.

Institute of Human Genetics, Univ. Regensburg, Univ. Regensburg
Classification: Uncertain significance for Retinal dystrophy. Last evaluated: 2016-01-01. Review status: no assertion criteria provided. Criteria: ACMG Guidelines, 2015. Collection method: clinical testing. Allele origin: germline. Affected: yes. Not counted in ClinVar's aggregate classification.

NM_000440.3(PDE6A):c.497T>C (p.Val166Ala)

Gene: PDE6A (phosphodiesterase 6A; minus strand). Cytogenetic location: 5q32.
Variant type: single nucleotide variant.
Coding change: c.497T>C on transcript NM_000440.3 (MANE Select); coding-DNA position 497, T replaced by C.
Protein change: p.Val166Ala; replaces valine 166 with alanine.
Molecular consequence: missense variant.
Genome position (GRCh38, 1-based): chr5:149,934,696, A>G on the plus strand (T>C on the coding strand, the complement: PDE6A is on the minus strand). VCF-style: chr5-149934696-A-G. GRCh37 (hg19) VCF-style: chr5-149314259-A-G.
Other names: short protein forms V166A.
Identifiers: ClinVar variation 845477 (VCV000845477.13), dbSNP rs199887926, ClinGen allele CA3505030.
Genomic context (GRCh38, chr5:149,934,696, plus strand): 5'-TTCCCATTCATTATGGGGGAAGCCAAGATGTTCTTGGTCTTGTACTCTGTGAGGATGTCC[A>G]CAAAGTCACAGAAATGCTCATCCTAAAGGAAGGCAGAGATAAGCACGGACAGGCAAATGA-3'
Protein context (NP_000431.2, residues 156-176): TEEDEHFCDF[Val166Ala]DILTEYKTKN